The following is an entry in ClinVar:

NM_000260.4(MYO7A):c.3437G>A (p.Arg1146Gln)

Gene: MYO7A (myosin VIIA; plus strand). Cytogenetic location: 11q13.5.
Variant type: single nucleotide variant.
Coding change: c.3437G>A on transcript NM_000260.4 (MANE Select); coding-DNA position 3437, G replaced by A.
Protein change: p.Arg1146Gln; replaces arginine 1146 with glutamine.
Molecular consequence: missense variant.
Genome position (GRCh38, 1-based): chr11:77,184,649, G>A. VCF-style: chr11-77184649-G-A. GRCh37 (hg19) VCF-style: chr11-76895694-G-A.
Other names: c.3437G>A, p.Arg1146Gln (NM_001127180.2); c.3404G>A, p.Arg1135Gln (NM_001369365.1); short protein forms R1146Q, R1135Q.
Identifiers: ClinVar variation 557475 (VCV000557475.10), dbSNP rs782140421, ClinGen allele CA6198061.

ClinVar aggregate classification (germline): Conflicting classifications of pathogenicity. Review status: criteria provided, conflicting classifications (1 of 4 stars). 4 submissions from 4 submitters: Likely pathogenic (1); Uncertain significance (1). 2 of the submissions do not count toward it. Last evaluated 2023-06-13.

Conditions:
MYO7A-related disorder. Also called: MYO7A-related disorders.
Autosomal recessive nonsyndromic hearing loss 2. Also called: NEUROSENSORY NONSYNDROMIC RECESSIVE DEAFNESS 2; DEAFNESS, AUTOSOMAL RECESSIVE 2. Identifiers: Orphanet 90636, MedGen C1838701, MONDO:0010807, OMIM 600060.
Usher syndrome type 1 (USH1). Also called: RETINITIS PIGMENTOSA AND CONGENITAL DEAFNESS. Identifiers: Orphanet 231169, Orphanet 886, MedGen C1568247, MONDO:0010168, OMIM 276900.
Usher syndrome type 1B (USH1B). Also called: Usher syndrome type IB. Identifiers: MedGen C1848638, MONDO:0700087.

Allele frequency attached by ClinVar (database versions not stated): gnomAD 0.00001 and 0.00002; gnomAD exomes 0.00001 and 0.00002; TOPMed 0.00001; ExAC 0.00005.
gnomAD v4.1: 24 of 1,588,260 alleles (0.0015%); highest among the groups gnomAD compares: East Asian, 0.021%; no homozygotes.

Submissions (4):

Blueprint Genetics
Classification: Likely pathogenic for MYO7A-related disorders. Last evaluated: 2023-06-13. Review status: criteria provided, single submitter. Criteria: ACMG Guidelines, 2015. Collection method: clinical testing. Allele origin: germline. Affected: yes. Observed: 2 variant alleles.

Labcorp Genetics (formerly Invitae), Labcorp
Classification: Uncertain significance. Last evaluated: 2022-10-08. Review status: criteria provided, single submitter. Criteria: Invitae Variant Classification Sherloc (09022015). Collection method: clinical testing. Allele origin: germline.
Comment: This sequence change replaces arginine, which is basic and polar, with glutamine, which is neutral and polar, at codon 1146 of the MYO7A protein (p.Arg1146Gln). The frequency data for this variant in the population databases is considered unreliable, as metrics indicate poor data quality at this position in the gnomAD database. This missense change has been observed in individual(s) with Usher syndrome (PMID: 27460420). ClinVar contains an entry for this variant (Variation ID: 557475). Advanced modeling of protein sequence and biophysical properties (such as structural, functional, and spatial information, amino acid conservation, physicochemical variation, residue mobility, and thermodynamic stability) has been performed at Invitae for this missense variant, however the output from this modeling did not meet the statistical confidence thresholds required to predict the impact of this variant on MYO7A protein function. In summary, the available evidence is currently insufficient to determine the role of this variant in disease. Therefore, it has been classified as a Variant of Uncertain Significance.

Natera, Inc.
Classification: Uncertain significance for Usher syndrome type 1B. Last evaluated: 2021-08-19. Review status: no assertion criteria provided. Collection method: clinical testing. Allele origin: germline. Not counted in ClinVar's aggregate classification.

Counsyl
Classification: Uncertain significance for Usher syndrome type 1; Autosomal recessive nonsyndromic hearing loss 2. Last evaluated: 2018-03-27. Review status: no assertion criteria provided. Collection method: clinical testing. Allele origin: unknown. Not counted in ClinVar's aggregate classification.

Literature cited by the submitters: PubMed 27460420 (cited by Labcorp Genetics (formerly Invitae), Labcorp and Counsyl).